The following is an entry in ClinVar:

ClinVar aggregate classification (germline): Pathogenic (1 of 4 stars; one submission).

Conditions:
Developmental and epileptic encephalopathy, 25 (DEE25). Also called: Epileptic encephalopathy, early infantile, 25; Developmental and epileptic encephalopathy 25, with amelogenesis imperfecta; Epileptic encephalopathy, early infantile, 25, with amelogenesis imperfecta. Identifiers: Orphanet 442835, MedGen C4014621, MONDO:0014392, OMIM 615905.

Submission:

Labcorp Genetics (formerly Invitae), Labcorp
Classification: Pathogenic for Developmental and epileptic encephalopathy, 25. Last evaluated: 2022-09-19. Review status: criteria provided, single submitter. Criteria: Invitae Variant Classification Sherloc (09022015). Collection method: clinical testing. Allele origin: germline.
Comment: A gross deletion of the genomic region encompassing the full coding sequence of the SLC13A5 gene has been identified. Loss-of-function variants in SLC13A5 are known to be pathogenic (PMID: 24995870, 26384929). The boundaries of this event are unknown as they extend beyond the assayed region for this gene and therefore may encompass additional genes. This variant has not been reported in the literature in individuals affected with SLC13A5-related conditions. For these reasons, this variant has been classified as Pathogenic.

Literature cited by the submitters: PubMed 24995870; PubMed 26384929.

NC_000017.11:g.(?_6686187)_(6713353_?)del

Gene: SLC13A5 (solute carrier family 13 member 5; minus strand). Cytogenetic location: 17p13.1.
Variant type: Deletion.
Identifiers: ClinVar variation 830864 (VCV000830864.2).